The following is an entry in ClinVar:

ClinVar aggregate classification (germline): Conflicting classifications of pathogenicity. Review status: criteria provided, conflicting classifications (1 of 4 stars). 2 submissions from 2 submitters: Uncertain significance (1); Likely benign (1). Last evaluated 2025-02-21.

Conditions:
Inborn genetic diseases. Identifiers: MedGen C0950123, MeSH D030342.

Allele frequency attached by ClinVar (database versions not stated): gnomAD 0.00001.

Submissions (2):

Ambry Genetics
Classification: Likely benign for Inborn genetic diseases. Last evaluated: 2025-02-21. Review status: criteria provided, single submitter. Criteria: Ambry Variant Classification Scheme 2023. Collection method: clinical testing. Allele origin: germline.

Labcorp Genetics (formerly Invitae), Labcorp
Classification: Uncertain significance. Last evaluated: 2021-04-08. Review status: criteria provided, single submitter. Criteria: Invitae Variant Classification Sherloc (09022015). Collection method: clinical testing. Allele origin: germline.
Comment: In summary, the available evidence is currently insufficient to determine the role of this variant in disease. Therefore, it has been classified as a Variant of Uncertain Significance. Algorithms developed to predict the effect of missense changes on protein structure and function output the following: SIFT: "Tolerated"; PolyPhen-2: "Benign"; Align-GVGD: "Class C0". The asparagine amino acid residue is found in multiple mammalian species, suggesting that this missense change does not adversely affect protein function. These predictions have not been confirmed by published functional studies and their clinical significance is uncertain. This variant has not been reported in the literature in individuals with MPDZ-related conditions. This variant is not present in population databases (ExAC no frequency). This sequence change replaces serine with asparagine at codon 959 of the MPDZ protein (p.Ser959Asn). The serine residue is moderately conserved and there is a small physicochemical difference between serine and asparagine.

NM_001378778.1(MPDZ):c.2876G>A (p.Ser959Asn)

Gene: MPDZ (multiple PDZ domain crumbs cell polarity complex component; minus strand). Cytogenetic location: 9p23.
Variant type: single nucleotide variant.
Coding change: c.2876G>A on transcript NM_001378778.1 (MANE Select); coding-DNA position 2876, G replaced by A.
Protein change: p.Ser959Asn; replaces serine 959 with asparagine.
Molecular consequence: missense variant.
Genome position (GRCh38, 1-based): chr9:13,176,191, C>T on the plus strand (G>A on the coding strand, the complement: MPDZ is on the minus strand). VCF-style: chr9-13176191-C-T. GRCh37 (hg19) VCF-style: chr9-13176190-C-T.
Other names: c.2876G>A, p.Ser959Asn (NM_001261406.2, NM_001261407.2, NM_001330637.2 and 14 more transcripts); c.2876G>A (NM_003829.3); short protein forms S959N.
Identifiers: ClinVar variation 1469803 (VCV001469803.9), dbSNP rs1952464060, ClinGen allele CA372935039.